The following is an entry in ClinVar:

NM_000081.4(LYST):c.10801-91T>G

Gene: LYST (lysosomal trafficking regulator; minus strand). Cytogenetic location: 1q42.3.
Variant type: single nucleotide variant.
Coding change: c.10801-91T>G on transcript NM_000081.4 (MANE Select); 91 bases into the intron before coding-DNA position 10801, T replaced by G.
Molecular consequence: intron variant.
Genome position (GRCh38, 1-based): chr1:235,677,710, A>C on the plus strand (T>G on the coding strand, the complement: LYST is on the minus strand). VCF-style: chr1-235677710-A-C. GRCh37 (hg19) VCF-style: chr1-235841010-A-C.
Other names: c.10801-91T>G (NM_001301365.1).
Identifiers: ClinVar variation 3602577 (VCV003602577.2).
Genomic context (GRCh38, chr1:235,677,710, plus strand): 5'-AACCACAACAAAAAGTACTCTAGTATAGTATCTCAAAAATAAAACAACCAAAGTGACTCA[A>C]ATGGTCTTCTCAAACATATCATTCTTCAATCCTATTCAGAGTAAAACAAAGAAAGAAATT-3'

ClinVar aggregate classification (germline): Pathogenic (1 of 4 stars; one submission).

Conditions:
Chédiak-Higashi syndrome (CHS). Also called: Chediak-Higashi Syndrome. Identifiers: Orphanet 167, MedGen C0007965, MONDO:0008963, OMIM 214500.

Submission:

Clinical Genomics Laboratory, Washington University in St. Louis
Classification: Pathogenic for Chédiak-Higashi syndrome. Last evaluated: 2025-02-21. Review status: criteria provided, single submitter. Criteria: ACMG Guidelines, 2015. Collection method: clinical testing. Allele origin: germline.
Comment: The LYST c.10801-91T>G variant, to our knowledge, has not been reported in the medical literature and is absent from the general population (gnomAD v.2.1.1), indicating it is not a common variant. Computational predictors indicate that this variant would create a novel donor site and create a cryptic 31 base pair exon predicted to lead to inclusion of a premature termination codon. In support of this prediction, results from RNA studies provided to our laboratory showed that 100% of transcripts from an individual homozygous for this variant included the 31 base pair cryptic exon. Based on available information and the ACMG/AMP guidelines for variant interpretation (Richards S et al., PMID: 25741868), this variant is classified as pathogenic.